The following is an entry in ClinVar:

NM_003079.5(SMARCE1):c.817-15T>A

Gene: SMARCE1 (SWI/SNF related BAF chromatin remodeling complex subunit E1; minus strand). Cytogenetic location: 17q21.2.
Variant type: single nucleotide variant.
Coding change: c.817-15T>A on transcript NM_003079.5 (MANE Select); 15 bases into the intron before coding-DNA position 817, T replaced by A.
Molecular consequence: intron variant.
Genome position (GRCh38, 1-based): chr17:40,630,939, A>T on the plus strand (T>A on the coding strand, the complement: SMARCE1 is on the minus strand). VCF-style: chr17-40630939-A-T. GRCh37 (hg19) VCF-style: chr17-38787191-A-T.
Identifiers: ClinVar variation 3660774 (VCV003660774.2).

ClinVar aggregate classification (germline): Uncertain significance (1 of 4 stars; one submission).

Conditions:
Familial meningioma. Also called: Meningioma, familial, susceptibility to. Identifiers: Orphanet 263662, MedGen C3551915, MONDO:0011789, OMIM 607174.

Submission:

Labcorp Genetics (formerly Invitae), Labcorp
Classification: Uncertain significance for Familial meningioma. Last evaluated: 2024-07-30. Review status: criteria provided, single submitter. Criteria: Invitae Variant Classification Sherloc (09022015). Collection method: clinical testing. Allele origin: germline.
Comment: This sequence change falls in intron 9 of the SMARCE1 gene. It does not directly change the encoded amino acid sequence of the SMARCE1 protein. This variant is not present in population databases (gnomAD no frequency). This variant has not been reported in the literature in individuals affected with SMARCE1-related conditions. Algorithms developed to predict the effect of sequence changes on RNA splicing suggest that this variant may disrupt the consensus splice site. In summary, the available evidence is currently insufficient to determine the role of this variant in disease. Therefore, it has been classified as a Variant of Uncertain Significance.